The following is an entry in ClinVar:

ClinVar aggregate classification (germline): Uncertain significance (1 of 4 stars; one submission).

Submission:

GeneDx
Classification: Uncertain significance. Last evaluated: 2025-05-25. Review status: criteria provided, single submitter. Criteria: GeneDx Variant Classification Process June 2021. Collection method: clinical testing. Allele origin: germline. Affected: yes.
Comment: Not observed at significant frequency in large population cohorts (gnomAD); In silico analysis supports that this missense variant has a deleterious effect on protein structure/function; Has not been previously published as pathogenic or benign to our knowledge

NM_000548.5(TSC2):c.1936T>C (p.Cys646Arg)

Gene: TSC2 (TSC complex subunit 2; plus strand). Cytogenetic location: 16p13.3.
Variant type: single nucleotide variant.
Coding change: c.1936T>C on transcript NM_000548.5 (MANE Select); coding-DNA position 1936, T replaced by C.
Protein change: p.Cys646Arg; replaces cysteine 646 with arginine.
Molecular consequence: missense variant. On other transcripts: non-coding transcript variant (5).
Genome position (GRCh38, 1-based): chr16:2,071,606, T>C. VCF-style: chr16-2071606-T-C. GRCh37 (hg19) VCF-style: chr16-2121607-T-C.
Other names: c.592T>C, p.Cys198Arg (NM_001406693.1, NM_001406694.1, NM_001406695.1 and 6 more transcripts); c.334T>C, p.Cys112Arg (NM_001406698.1); c.1936T>C, p.Cys646Arg (NM_021055.3, NM_001077183.3, NM_001114382.3 and 6 more transcripts); c.1825T>C, p.Cys609Arg (NM_001318827.2, NM_001406670.1, NM_001406678.1); c.1789T>C, p.Cys597Arg (NM_001318829.2, NM_001406675.1, NM_001406676.1 and 1 more transcripts); c.1336T>C, p.Cys446Arg (NM_001318831.2, NM_001406682.1, NM_001406683.1 and 6 more transcripts); c.1969T>C, p.Cys657Arg (NM_001318832.2); c.2026T>C, p.Cys676Arg (NM_001406667.1, NM_001406668.1); and 3 more; short protein forms C112R, C198R, C446R, C492R, C597R, C609R, C627R, C642R.
Identifiers: ClinVar variation 4532602 (VCV004532602.1).